The following is an entry in ClinVar:

NM_001429.4(EP300):c.1879-21T>A

Gene: EP300 (EP300 lysine acetyltransferase; plus strand). Cytogenetic location: 22q13.2.
Variant type: single nucleotide variant.
Coding change: c.1879-21T>A on transcript NM_001429.4 (MANE Select); 21 bases into the intron before coding-DNA position 1879, T replaced by A.
Molecular consequence: intron variant.
Genome position (GRCh38, 1-based): chr22:41,141,027, T>A. VCF-style: chr22-41141027-T-A. GRCh37 (hg19) VCF-style: chr22-41537031-T-A.
Other names: c.1879-21T>A (NM_001362843.2).
Identifiers: ClinVar variation 4998524 (VCV004998524.1).
Genomic context (GRCh38, chr22:41,141,027, plus strand): 5'-ATTCTCAGTTTATTTTTTCTGTTACCTGGTGGTAGTTCCTTTTTTCCTCATCTCCCTTAT[T>A]TTACTTCAACAATTCAAAAGGCGGAATACTACCACCTTCTAGCTGAGAAAATCTATAAGA-3'

ClinVar aggregate classification (germline): Uncertain significance (1 of 4 stars; one submission).

Conditions:
EP300-related disorder. Also called: EP300-related condition; EP300-related disorders.

Submission:

PreventionGenetics, part of Exact Sciences
Classification: Uncertain significance for EP300-related condition. Last evaluated: 2025-05-29. Review status: criteria provided, single submitter. Criteria: ACMG Guidelines, 2015. Collection method: clinical testing. Allele origin: germline.
Comment: The EP300 c.1879-21T>A variant is predicted to interfere with splicing. This variant is predicted to alter splicing based on available splicing prediction programs (SpliceAI, Jaganathan et al. 2019. PubMed ID: 30661751), however, the use of computer prediction programs is not equivalent to functional evidence. To our knowledge, this variant has not been reported in the literature or in a large population database (gnomAD), indicating this variant is rare. At this time, the clinical significance of this variant is uncertain due to the absence of conclusive functional and genetic evidence.